The following is an entry in ClinVar:

NM_002437.5(MPV17):c.149G>A (p.Arg50Gln)

Gene: MPV17 (mitochondrial inner membrane protein MPV17; minus strand). Cytogenetic location: 2p23.3.
Variant type: single nucleotide variant.
Coding change: c.149G>A on transcript NM_002437.5 (MANE Select); coding-DNA position 149, G replaced by A.
Protein change: p.Arg50Gln; replaces arginine 50 with glutamine.
Molecular consequence: missense variant.
Genome position (GRCh38, 1-based): chr2:27,313,031, C>T on the plus strand (G>A on the coding strand, the complement: MPV17 is on the minus strand). VCF-style: chr2-27313031-C-T. GRCh37 (hg19) VCF-style: chr2-27535898-C-T.
Other names: short protein forms R50Q.
Identifiers: ClinVar variation 16160 (VCV000016160.27), dbSNP rs121909721, ClinGen allele CA341380.
Genomic context (GRCh38, chr2:27,313,031, plus strand): 5'-GCCCTGTTGAGGGGAGAACTTACCACAAAGCCACAGCCCAGGGACACCATGGTCAGAGTC[C>T]GGCCTCTCTGGTGTTCCTGCAGACCCCGCCTCTCCACCAGCTGCTGTGAGATAATGTCAC-3'
Protein context (NP_002428.1, residues 40-60): RRGLQEHQRG[Arg50Gln]TLTMVSLGCG

ClinVar aggregate classification (germline): Pathogenic. Review status: criteria provided, multiple submitters, no conflicts (2 of 4 stars). 11 submissions from 11 submitters: Pathogenic (9). 2 of the submissions do not count toward it. Last evaluated 2026-06-02.

Conditions:
Mitochondrial DNA depletion syndrome, hepatocerebral form. Identifiers: Orphanet 254871, MedGen C3711385, MONDO:0100512.
Charcot-Marie-Tooth disease, axonal, type 2EE. Also called: CHARCOT-MARIE-TOOTH NEUROPATHY, TYPE 2EE. Identifiers: MedGen C5193076, MONDO:0032728, OMIM 618400.
MPV17-related disorder. Also called: MPV17-related condition; MPV17-related disorders. Identifiers: MedGen CN239328.
Mitochondrial DNA depletion syndrome. Also called: mitochondrial DNA depletion. Identifiers: Orphanet 35698, MedGen C0342782, MONDO:0018158.
Mitochondrial disease. Also called: Mitochondrial disorders; Mitochondrial disorder. Identifiers: Orphanet 68380, MedGen C0751651, MeSH D028361, MONDO:0044970.
Mitochondrial DNA depletion syndrome 6 (hepatocerebral type). Also called: NAVAJO NEUROPATHY; Mitochondrial DNA depletion syndrome type 6; Navajo neurohepatopathy. Identifiers: Orphanet 255229, MedGen C1850406, MONDO:0009747, OMIM 256810.

Allele frequency attached by ClinVar (database versions not stated): gnomAD exomes 0.00001; TOPMed 0.00001; gnomAD 0.00003.

Submissions (11):

PreventionGenetics, part of Exact Sciences
Classification: Pathogenic for MPV17-related condition. Last evaluated: 2026-06-02. Review status: criteria provided, single submitter. Criteria: ACMG Guidelines, 2015. Collection method: clinical testing. Allele origin: germline.
Comment: The MPV17 c.149G>A variant is predicted to result in the amino acid substitution p.Arg50Gln. This variant has been previously reported to be pathogenic for the autosomal recessive hepatocerebral form of mitochondrial DNA depletion syndrome (Spinazzola et al. 2006. PubMed ID: 16582910; Shimura et al. 2020. PubMed ID: 32703289). It has been also documented as a founder pathogenic variant for Navajo neurohepatopathy among Navajo children in the southwestern United States (Karadimas et al. 2006. PubMed ID: 16909392). This variant is reported in 0.0031% of alleles in individuals of European (non-Finnish) descent in gnomAD. This variant is interpreted as pathogenic.

Natera, Inc.
Classification: Pathogenic for Mitochondrial DNA depletion syndrome, hepatocerebral form. Last evaluated: 2025-10-30. Review status: criteria provided, single submitter. Criteria: Natera Variant Classification Schema (03/2026). Collection method: clinical testing. Allele origin: germline.
Comment: The c.149G>A variant in MPV17 is a missense variant predicted to cause substitution of arginine to glutamine at amino acid 50. This variant is rare in the general population with a frequency below the threshold expected for the associated phenotype(s). This variant has been observed in one or more individuals affected with the associated recessive disease, as either homozygous or compound heterozygous with a second variant (PMID: 20074988, 16582910, 16909392). A different variant at the same position has been determined to be Pathogenic or Likely Pathogenic. Computational prediction algorithms indicate this variant is likely to affect gene or protein function. Given the available evidence, this variant is classified as Pathogenic.

Labcorp Genetics (formerly Invitae), Labcorp
Classification: Pathogenic. Last evaluated: 2025-09-25. Review status: criteria provided, single submitter. Criteria: Invitae Variant Classification Sherloc (09022015). Collection method: clinical testing. Allele origin: germline.
Comment: This sequence change replaces arginine, which is basic and polar, with glutamine, which is neutral and polar, at codon 50 of the MPV17 protein (p.Arg50Gln). This variant is present in population databases (rs121909721, gnomAD 0.003%). This missense change has been observed in individuals with mitochondrial DNA depletion syndrome or Navajo neurohepatopathy (PMID: 16582910, 16909392, 28209105). It has also been observed to segregate with disease in related individuals. ClinVar contains an entry for this variant (Variation ID: 16160). An algorithm developed to predict the effect of missense changes on protein structure and function (PolyPhen-2) suggests that this variant is likely to be disruptive. Experimental studies have shown that this missense change affects MPV17 function (PMID: 16582910, 30833296). For these reasons, this variant has been classified as Pathogenic.

GeneDx
Classification: Pathogenic. Last evaluated: 2025-08-09. Review status: criteria provided, single submitter. Criteria: GeneDx Variant Classification Process June 2021. Collection method: clinical testing. Allele origin: germline. Affected: yes.
Comment: Published functional studies demonstrate a damaging effect on energy homeostasis and mitochondrial function (PMID: 37810222); Not observed at significant frequency in large population cohorts (gnomAD); Missense variants in this gene are a common cause of disease and they are underrepresented in the general population; In silico analysis supports that this missense variant has a deleterious effect on protein structure/function; This variant is associated with the following publications: (PMID: 29282788, 29318572, 16909392, 20074988, 16582910, 17694548, 28209105, 32703289, 30833296, 30273399, 37810222)

Victorian Clinical Genetics Services, Murdoch Childrens Research Institute
Classification: Pathogenic for Mitochondrial disease. Last evaluated: 2024-10-09. Review status: criteria provided, single submitter. Criteria: ACMG Guidelines, 2015. Collection method: clinical testing. Allele origin: germline. Inheritance: Autosomal recessive inheritance.
Comment: Based on the classification scheme VCGS_Germline_v1.3.4, this variant is classified as Pathogenic. Following criteria are met: 0102 - Loss of function is a known mechanism of disease in this gene and is associated with mitochondrial DNA depletion syndrome 6 (hepatocerebral type) (MIM#256810) and Charcot-Marie-Tooth disease, axonal, type 2EE (MIM#618400). (I) 0106 - This gene is associated with autosomal recessive disease. There is currently no clear genotype-phenotype correlation, however, a trend for longer survival has been reported in individuals with biallelic pathogenic missense variants compared to individuals with biallelic null variants or individuals compound heterozygus for missense and null variants (PMID: 29282788).(I) 115 - Variants in this gene are known to have variable expressivity (PMID: 29282788). (I) 0200 - Variant is predicted to result in a missense amino acid change from arginine to glutamine. (I) 0251 - This variant is heterozygous. (I) 0304 - Variant is present in gnomAD <0.01 for a recessive condition (v2: 4 heterozygotes, 0 homozygotes). (SP) 0309 - An alternative amino acid change at the same position has been observed in gnomAD (v2) (3 heterozygotes, 0 homozygotes). (I) 0501 - Missense variant consistently predicted to be damaging by multiple in silico tools or highly conserved with a major amino acid change. (SP) 0604 - Variant is not located in an established domain, motif, hotspot or informative constraint region. (I) 0801 - This variant has strong previous evidence of pathogenicity in unrelated individuals. This variant has been classified as pathogenic by multiple clinical laboratories in ClinVar and has been reported in homozygous and compound heterozygous individuals with hepatocerebral mitochondrial DNA depletion syndrome, also referred to as Navajo neurohepatopathy (PMIDs: 32703289, 16909392). (SP) Legend: (SP) - Supporting pathogenic, (I) - Information, (SB) - Supporting benign

Baylor Genetics
Classification: Pathogenic for Charcot-Marie-Tooth disease, axonal, type 2EE. Last evaluated: 2024-03-27. Review status: criteria provided, single submitter. Criteria: ACMG Guidelines, 2015. Collection method: clinical testing. Allele origin: unknown.

Women's Health and Genetics/Laboratory Corporation of America, LabCorp
Classification: Pathogenic for Mitochondrial DNA depletion syndrome. Last evaluated: 2022-12-14. Review status: criteria provided, single submitter. Criteria: LabCorp Variant Classification Summary - May 2015. Collection method: clinical testing. Allele origin: germline.
Comment: Variant summary: MPV17 c.149G>A (p.Arg50Gln) results in a conservative amino acid change in the encoded protein sequence. Four of five in-silico tools predict a damaging effect of the variant on protein function. The variant allele was found at a frequency of 1.2e-05 in 251478 control chromosomes (gnomAD). c.149G>A has been reported in the literature in multiple homozygous individuals affected with Mitochondrial DNA Depletion Syndrome (MPV17 Related disorder) and the variant segregated with the disease (examples: Spinazzola_2006 and Karadimas_2006). These data indicate that the variant is very likely to be associated with disease. At least one publication reports experimental evidence suggesting that the R50Q mutation causes protein instability and decay (Karadimas_2006). Four clinical diagnostic laboratories have submitted clinical-significance assessments for this variant to ClinVar after 2014 and all classified the variant as pathogenic. Based on the evidence outlined above, the variant was classified as pathogenic.

Athena Diagnostics
Classification: Pathogenic. Last evaluated: 2022-02-09. Review status: criteria provided, single submitter. Criteria: Athena Diagnostics Criteria. Collection method: clinical testing. Allele origin: unknown.
Comment: The frequency of this variant in the general population is consistent with pathogenicity. This variant segregates with disease in multiple families. Computational tools predict that this variant is damaging.

Eurofins Ntd Llc (ga)
Classification: Pathogenic. Last evaluated: 2018-07-24. Review status: criteria provided, single submitter. Criteria: EGL ClinVar v180209 classification definitions. Collection method: clinical testing. Allele origin: germline. Observed: 1 variant allele, 1 homozygote.

OMIM
Classification: Pathogenic for MITOCHONDRIAL DNA DEPLETION SYNDROME 6 (HEPATOCEREBRAL TYPE). Last evaluated: 2006-09-01. Review status: no assertion criteria provided. Collection method: literature only. Allele origin: germline. Not counted in ClinVar's aggregate classification.

GeneReviews
No classification provided. Condition: Mitochondrial DNA depletion syndrome 6 (hepatocerebral type). Review status: no classification provided. Collection method: literature only. Allele origin: germline. Not counted in ClinVar's aggregate classification.

Literature cited by the submitters: PubMed 20074988 (cited by 3 submitters); PubMed 16582910 (cited by 6 submitters); PubMed 16909392 (cited by 7 submitters); PubMed 28209105 (cited by Labcorp Genetics (formerly Invitae), Labcorp); PubMed 30833296 (cited by Labcorp Genetics (formerly Invitae), Labcorp and Athena Diagnostics); PubMed 29282788 (cited by Victorian Clinical Genetics Services, Murdoch Childrens Research Institute and GeneReviews); PubMed 32703289 (cited by Victorian Clinical Genetics Services, Murdoch Childrens Research Institute and Athena Diagnostics); PubMed 18261905 (cited by Athena Diagnostics); PubMed 19012992 (cited by Athena Diagnostics); PubMed 30273399 (cited by Athena Diagnostics); NCBI Bookshelf NBK92947 (cited by GeneReviews).